The following is an entry in ClinVar:

ClinVar aggregate classification (germline): Uncertain significance. Review status: criteria provided, multiple submitters, no conflicts (2 of 4 stars). 2 submissions from 2 submitters: Uncertain significance (2). Last evaluated 2024-04-12.

Conditions:
Immunodeficiency-centromeric instability-facial anomalies syndrome 1 (ICF1). Identifiers: Orphanet 2268, MedGen C4551557, MONDO:0009454, OMIM 242860.
Facioscapulohumeral muscular dystrophy 4, digenic. Identifiers: MedGen C5561960, MONDO:0030355, OMIM 619478.
Centromeric instability of chromosomes 1,9 and 16 and immunodeficiency (ICF1). Also called: Immunodeficiency-centromeric instability-facial anomalies; IMMUNE DEFICIENCY, VARIABLE, WITH CENTROMERIC INSTABILITY OF CHROMOSOMES 1, 9, AND 16; IMMUNODEFICIENCY SYNDROME, VARIABLE; CENTROMERIC INSTABILITY, IMMUNODEFICIENCY SYNDROME. Identifiers: Orphanet 2268, MedGen C0398788, MONDO:0000133.

Allele frequency attached by ClinVar (database versions not stated): gnomAD exomes below 0.00001; ESP Exome Variant Server 0.00008; ExAC 0.00002.
gnomAD v4.1: 4 of 1,614,220 alleles (0.00025%); highest among the groups gnomAD compares: East Asian, 0.0022%; no homozygotes.

Submissions (2):

Fulgent Genetics
Classification: Uncertain significance for Immunodeficiency-centromeric instability-facial anomalies syndrome 1; Facioscapulohumeral muscular dystrophy 4, digenic. Last evaluated: 2024-04-12. Review status: criteria provided, single submitter. Criteria: ACMG Guidelines, 2015. Collection method: clinical testing. Allele origin: germline.

Labcorp Genetics (formerly Invitae), Labcorp
Classification: Uncertain significance for Centromeric instability of chromosomes 1,9 and 16 and immunodeficiency. Last evaluated: 2022-05-19. Review status: criteria provided, single submitter. Criteria: Invitae Variant Classification Sherloc (09022015). Collection method: clinical testing. Allele origin: germline.
Comment: This sequence change replaces tyrosine, which is neutral and polar, with cysteine, which is neutral and slightly polar, at codon 474 of the DNMT3B protein (p.Tyr474Cys). This variant is present in population databases (rs377551093, gnomAD 0.006%). This variant has not been reported in the literature in individuals affected with DNMT3B-related conditions. ClinVar contains an entry for this variant (Variation ID: 656244). Algorithms developed to predict the effect of missense changes on protein structure and function (SIFT, PolyPhen-2, Align-GVGD) all suggest that this variant is likely to be disruptive. In summary, the available evidence is currently insufficient to determine the role of this variant in disease. Therefore, it has been classified as a Variant of Uncertain Significance.

NM_006892.4(DNMT3B):c.1421A>G (p.Tyr474Cys)

Gene: DNMT3B (DNA methyltransferase 3 beta; plus strand). Cytogenetic location: 20q11.21.
Variant type: single nucleotide variant.
Coding change: c.1421A>G on transcript NM_006892.4 (MANE Select); coding-DNA position 1421, A replaced by G.
Protein change: p.Tyr474Cys; replaces tyrosine 474 with cysteine.
Molecular consequence: missense variant.
Genome position (GRCh38, 1-based): chr20:32,797,230, A>G. VCF-style: chr20-32797230-A-G. GRCh37 (hg19) VCF-style: chr20-31385036-A-G.
Other names: c.1235A>G, p.Tyr412Cys (NM_001207055.2); c.1133A>G, p.Tyr378Cys (NM_001207056.2); c.1361A>G, p.Tyr454Cys (NM_175848.2, NM_175849.2); c.1397A>G, p.Tyr466Cys (NM_175850.3); short protein forms Y378C, Y412C, Y466C, Y454C, Y474C.
Identifiers: ClinVar variation 656244 (VCV000656244.11), dbSNP rs377551093, ClinGen allele CA9810592.
Genomic context (GRCh38, chr20:32,797,230, plus strand): 5'-TTCTCTCTGGCTGCCAGGATCGCTTCCTTGAGCTGTTTTACATGTATGATGACGATGGCT[A>G]TCAGTCTTACTGCACTGTGTGCTGCGAGGGCCGAGAGCTGCTGCTTTGCAGCAACACGAG-3'
Protein context (NP_008823.1, residues 464-484): ELFYMYDDDG[Tyr474Cys]QSYCTVCCEG